The following is an entry in ClinVar:

NM_015062.5(PPRC1):c.4306C>T (p.Arg1436Trp)

Gene: PPRC1 (PPARG related coactivator 1; plus strand). Cytogenetic location: 10q24.32.
Variant type: single nucleotide variant.
Coding change: c.4306C>T on transcript NM_015062.5 (MANE Select); coding-DNA position 4306, C replaced by T.
Protein change: p.Arg1436Trp; replaces arginine 1436 with tryptophan.
Molecular consequence: missense variant. On other transcripts: intron variant (1).
Genome position (GRCh38, 1-based): chr10:102,147,298, C>T. VCF-style: chr10-102147298-C-T. GRCh37 (hg19) VCF-style: chr10-103907055-C-T.
Other names: c.3946C>T, p.Arg1316Trp (NM_001288728.2); c.3609-1074C>T (NM_001288727.2); short protein forms R1316W, R1436W.
Identifiers: ClinVar variation 3042159 (VCV003042159.2), dbSNP rs34169738, ClinGen allele CA5661492.

ClinVar aggregate classification (germline): Benign (0 of 4 stars; one submission).

Conditions:
PPRC1-related disorder. Also called: PPRC1-related condition.

Allele frequency attached by ClinVar (database versions not stated): 1000 Genomes Project 30x 0.00671; 1000 Genomes Project 0.00679; gnomAD 0.01184; ExAC 0.01229; TOPMed 0.01296; ESP Exome Variant Server 0.01569.
gnomAD v4.1: 25,541 of 1,612,744 alleles (1.6%); highest among the groups gnomAD compares: Middle Eastern, 3.8%; 271 homozygotes.

Submission:

PreventionGenetics, part of Exact Sciences
Classification: Benign for PPRC1-related condition. Last evaluated: 2019-09-13. Review status: no assertion criteria provided. Collection method: clinical testing. Allele origin: germline.
Comment: This variant is classified as benign based on ACMG/AMP sequence variant interpretation guidelines (Richards et al. 2015 PMID: 25741868, with internal and published modifications).